The following is an entry in ClinVar:

NM_001256071.3(RNF213):c.194C>T (p.Pro65Leu)

Gene: RNF213 (ring finger protein 213; plus strand). Cytogenetic location: 17q25.3.
Variant type: single nucleotide variant.
Coding change: c.194C>T on transcript NM_001256071.3 (MANE Select); coding-DNA position 194, C replaced by T.
Protein change: p.Pro65Leu; replaces proline 65 with leucine.
Molecular consequence: missense variant.
Genome position (GRCh38, 1-based): chr17:80,273,337, C>T. VCF-style: chr17-80273337-C-T. GRCh37 (hg19) VCF-style: chr17-78247136-C-T.
Other names: c.194C>T, p.Pro65Leu (NM_020954.4); short protein forms P65L.
Identifiers: ClinVar variation 1488856 (VCV001488856.6), dbSNP rs761090898, ClinGen allele CA8819168.

ClinVar aggregate classification (germline): Uncertain significance (1 of 4 stars; one submission).

Allele frequency attached by ClinVar (database versions not stated): TOPMed below 0.00001; gnomAD 0.00001; gnomAD exomes 0.00001; ExAC 0.00002.
gnomAD v4.1: 15 of 1,613,344 alleles (0.00093%); highest among the groups gnomAD compares: African/African-American, 0.0013%; no homozygotes.

Submission:

Labcorp Genetics (formerly Invitae), Labcorp
Classification: Uncertain significance. Last evaluated: 2022-08-15. Review status: criteria provided, single submitter. Criteria: Invitae Variant Classification Sherloc (09022015). Collection method: clinical testing. Allele origin: germline.
Comment: In summary, the available evidence is currently insufficient to determine the role of this variant in disease. Therefore, it has been classified as a Variant of Uncertain Significance. Algorithms developed to predict the effect of missense changes on protein structure and function output the following: SIFT: "Tolerated"; PolyPhen-2: "Benign"; Align-GVGD: "Class C0". The leucine amino acid residue is found in multiple mammalian species, which suggests that this missense change does not adversely affect protein function. ClinVar contains an entry for this variant (Variation ID: 1488856). This variant has not been reported in the literature in individuals affected with RNF213-related conditions. This variant is present in population databases (rs761090898, gnomAD 0.003%). This sequence change replaces proline, which is neutral and non-polar, with leucine, which is neutral and non-polar, at codon 65 of the RNF213 protein (p.Pro65Leu).